The following is an entry in ClinVar:

NM_000632.4(ITGAM):c.299dup (p.Gln101fs)

Genes: ITGAM (integrin subunit alpha M; plus strand), LOC126862331 (P300/CBP strongly-dependent group 1 enhancer GRCh37_chr16:31276375-31277574; plus strand). Cytogenetic location: 16p11.2.
Variant type: Duplication.
Coding change: c.299dup on transcript NM_000632.4 (MANE Select); coding-DNA position 299, one base duplicated (C; older notation c.299dupC).
Protein change: p.Gln101fs; shifts the reading frame from glutamine 101.
Molecular consequence: frameshift variant.
Genome position (GRCh38, 1-based): chr16:31,265,871, C duplicated; the last of 6 consecutive C bases (chr16:31,265,866-31,265,871); duplicating any one gives the same sequence. VCF-style (leftmost placement, unchanged base first): chr16-31265865-G-GC. GRCh37 (hg19) VCF-style: chr16-31277186-G-GC.
Other names: c.299dup, p.Gln101fs (NM_001145808.2); short protein forms Q101fs.
Identifiers: ClinVar variation 4717127 (VCV004717127.1).

ClinVar aggregate classification (germline): Uncertain significance (1 of 4 stars; one submission).

Submission:

Labcorp Genetics (formerly Invitae), Labcorp
Classification: Uncertain significance. Last evaluated: 2025-04-10. Review status: criteria provided, single submitter. Criteria: Invitae Variant Classification Sherloc (09022015). Collection method: clinical testing. Allele origin: germline.
Comment: This sequence change creates a premature translational stop signal (p.Gln101Serfs*15) in the ITGAM gene. It is expected to result in an absent or disrupted protein product. However, the current clinical and genetic evidence is not sufficient to establish whether loss-of-function variants in ITGAM cause disease. This variant is not present in population databases (gnomAD no frequency). This variant has not been reported in the literature in individuals affected with ITGAM-related conditions. In summary, the available evidence is currently insufficient to determine the role of this variant in disease. Therefore, it has been classified as a Variant of Uncertain Significance.